The following is an entry in ClinVar:

NM_000256.3(MYBPC3):c.1372C>T (p.Arg458Cys)

Gene: MYBPC3 (myosin binding protein C3; minus strand). Cytogenetic location: 11p11.2.
Variant type: single nucleotide variant.
Coding change: c.1372C>T on transcript NM_000256.3 (MANE Select); coding-DNA position 1372, C replaced by T.
Protein change: p.Arg458Cys; replaces arginine 458 with cysteine.
Molecular consequence: missense variant.
Genome position (GRCh38, 1-based): chr11:47,342,915, G>A on the plus strand (C>T on the coding strand, the complement: MYBPC3 is on the minus strand). VCF-style: chr11-47342915-G-A. GRCh37 (hg19) VCF-style: chr11-47364466-G-A.
Other names: p.R458C:CGC>TGC; c.1372C>T, p.Arg458Cys (LRG_386t1); short protein forms R458C.
Identifiers: ClinVar variation 180931 (VCV000180931.25), dbSNP rs377577698, ClinGen allele CA010194.

ClinVar aggregate classification (germline): Uncertain significance. Review status: criteria provided, multiple submitters, no conflicts (2 of 4 stars). 8 submissions from 8 submitters: Uncertain significance (6). 2 of the submissions do not count toward it. Last evaluated 2026-07-17.

Conditions:
MYBPC3-related disorder. Also called: MYBPC3-related disorders; MYBPC3-related condition; MYBPC3-related disease.
Cardiovascular phenotype. Identifiers: MedGen CN230736.
Cardiomyopathy (CMYO). Also called: Cardiomyopathies. Identifiers: Orphanet 167848, MedGen C0878544, MONDO:0004994, HP:0001638. Inheritance: Various modes of inheritance.
Hypertrophic cardiomyopathy. Also called: HYPERTROPHIC MYOCARDIOPATHY. Identifiers: Orphanet 217569, MedGen C0007194, MeSH D002312, MONDO:0005045, HP:0001639.

Allele frequency attached by ClinVar (database versions not stated): gnomAD exomes 0.00002 and 0.00003; TOPMed 0.00004; ExAC 0.00005; gnomAD 0.00005; ESP Exome Variant Server 0.00008.
gnomAD v4.1: 39 of 1,611,928 alleles (0.0024%); highest among the groups gnomAD compares: African/African-American, 0.013%; no homozygotes.

Submissions (8):

GeneDx
Classification: Uncertain significance. Last evaluated: 2026-07-17. Review status: criteria provided, single submitter. Criteria: GeneDx Variant Classification Process June 2021. Collection method: clinical testing. Allele origin: germline.
Comment: In silico analysis supports that this missense variant has a deleterious effect on protein structure/function; Has not been previously published as pathogenic or benign to our knowledge

PreventionGenetics, part of Exact Sciences
Classification: Uncertain significance for MYBPC3-related condition. Last evaluated: 2026-07-06. Review status: criteria provided, single submitter. Criteria: ACMG Guidelines, 2015. Collection method: clinical testing. Allele origin: germline.
Comment: The MYBPC3 c.1372C>T variant is predicted to result in the amino acid substitution p.Arg458Cys. To our knowledge, this variant has not been reported in the literature. This variant is reported in 0.021% of alleles in individuals of African descent in gnomAD. At this time, the clinical significance of this variant is uncertain due to the absence of conclusive functional and genetic evidence.

Labcorp Genetics (formerly Invitae), Labcorp
Classification: Uncertain significance for Hypertrophic cardiomyopathy. Last evaluated: 2025-12-29. Review status: criteria provided, single submitter. Criteria: Invitae Variant Classification Sherloc (09022015). Collection method: clinical testing. Allele origin: germline.
Comment: This sequence change replaces arginine, which is basic and polar, with cysteine, which is neutral and slightly polar, at codon 458 of the MYBPC3 protein (p.Arg458Cys). This variant is present in population databases (rs377577698, gnomAD 0.02%). This variant has not been reported in the literature in individuals affected with MYBPC3-related conditions. ClinVar contains an entry for this variant (Variation ID: 180931). An algorithm developed to predict the effect of missense changes on protein structure and function outputs the following: PolyPhen-2: "Benign". The cysteine amino acid residue is found in multiple mammalian species, which suggests that this missense change does not adversely affect protein function. In summary, the available evidence is currently insufficient to determine the role of this variant in disease. Therefore, it has been classified as a Variant of Uncertain Significance.

Color Diagnostics, LLC DBA Color Health
Classification: Uncertain significance for Cardiomyopathy. Last evaluated: 2025-08-20. Review status: criteria provided, single submitter. Criteria: ACMG Guidelines, 2015. Collection method: clinical testing. Allele origin: germline.
Comment: This missense variant replaces arginine with cysteine at codon 458 of the MYBPC3 protein. Computational prediction suggests that this variant may not impact protein structure and function. To our knowledge, functional studies have not been reported for this variant. This variant has not been reported in individuals affected with MYBPC3-related disorders in the literature. This variant has been identified in 10/276390 chromosomes in the general population by the Genome Aggregation Database (gnomAD). The available evidence is insufficient to determine the role of this variant in disease conclusively. Therefore, this variant is classified as a Variant of Uncertain Significance.

Ambry Genetics
Classification: Uncertain significance for Cardiovascular phenotype. Last evaluated: 2025-04-07. Review status: criteria provided, single submitter. Criteria: Ambry Variant Classification Scheme 2023. Collection method: clinical testing. Allele origin: germline.
Comment: The p.R458C variant (also known as c.1372C>T), located in coding exon 16 of the MYBPC3 gene, results from a C to T substitution at nucleotide position 1372. The arginine at codon 458 is replaced by cysteine, an amino acid with highly dissimilar properties. This amino acid position is well conserved in available vertebrate species. In addition, this alteration is predicted to be tolerated by in silico analysis. Since supporting evidence is limited at this time, the clinical significance of this alteration remains unclear.

All of Us Research Program, National Institutes of Health
Classification: Uncertain significance for Hypertrophic cardiomyopathy. Last evaluated: 2023-10-06. Review status: criteria provided, single submitter. Criteria: ACMG Guidelines, 2015. Collection method: clinical testing. Allele origin: germline. Inheritance: Autosomal dominant inheritance. Observed: 3 variant alleles, 3 heterozygotes.
Comment: This missense variant replaces arginine with cysteine at codon 458 of the MYBPC3 protein. Computational prediction suggests that this variant may not impact protein structure and function (internally defined REVEL score threshold <= 0.5, PMID: 27666373). To our knowledge, functional studies have not been reported for this variant. This variant has not been reported in individuals affected with cardiovascular disorders in the literature. This variant has been identified in 10/276390 chromosomes in the general population by the Genome Aggregation Database (gnomAD). The available evidence is insufficient to determine the role of this variant in disease conclusively. Therefore, this variant is classified as a Variant of Uncertain Significance.

This study involves interpretation of variants in research participants for the purpose of population health screening. Participant phenotype was not available at the time of variant classification. Additional details can be found in publication PMID: 35346344, PMCID: PMC8962531

Clinical Genetics, Academic Medical Center
Classification: Uncertain significance. Review status: no assertion criteria provided. Collection method: clinical testing. Allele origin: germline. Affected: yes. Study: VKGL Data-share Consensus. Not counted in ClinVar's aggregate classification.

Diagnostic Laboratory, Department of Genetics, University Medical Center Groningen
Classification: Uncertain significance. Review status: no assertion criteria provided. Collection method: clinical testing. Allele origin: germline. Affected: yes. Study: VKGL Data-share Consensus. Not counted in ClinVar's aggregate classification.